The following is an entry in ClinVar:

ClinVar aggregate classification (germline): Uncertain significance (1 of 4 stars; one submission).

Conditions:
Gorlin syndrome. Also called: Nevoid Basal Cell Carcinoma Syndrome; Basal cell nevus syndrome. Identifiers: Orphanet 377, MedGen C0004779, MONDO:0007187.

Submission:

Labcorp Genetics (formerly Invitae), Labcorp
Classification: Uncertain significance for Gorlin syndrome. Last evaluated: 2024-03-10. Review status: criteria provided, single submitter. Criteria: Invitae Variant Classification Sherloc (09022015). Collection method: clinical testing. Allele origin: germline.
Comment: This sequence change replaces phenylalanine, which is neutral and non-polar, with cysteine, which is neutral and slightly polar, at codon 1409 of the PTCH1 protein (p.Phe1409Cys). This variant is not present in population databases (gnomAD no frequency). This variant has not been reported in the literature in individuals affected with PTCH1-related conditions. Advanced modeling of protein sequence and biophysical properties (such as structural, functional, and spatial information, amino acid conservation, physicochemical variation, residue mobility, and thermodynamic stability) has been performed at Invitae for this missense variant, however the output from this modeling did not meet the statistical confidence thresholds required to predict the impact of this variant on PTCH1 protein function. In summary, the available evidence is currently insufficient to determine the role of this variant in disease. Therefore, it has been classified as a Variant of Uncertain Significance.

NM_000264.5(PTCH1):c.4226T>G (p.Phe1409Cys)

Gene: PTCH1 (patched 1; minus strand). Cytogenetic location: 9q22.32.
Variant type: single nucleotide variant.
Coding change: c.4226T>G on transcript NM_000264.5 (MANE Select); coding-DNA position 4226, T replaced by G.
Protein change: p.Phe1409Cys; replaces phenylalanine 1409 with cysteine.
Molecular consequence: missense variant. On other transcripts: non-coding transcript variant (1).
Genome position (GRCh38, 1-based): chr9:95,447,030, A>C on the plus strand (T>G on the coding strand, the complement: PTCH1 is on the minus strand). VCF-style: chr9-95447030-A-C. GRCh37 (hg19) VCF-style: chr9-98209312-A-C.
Other names: c.4028T>G, p.Phe1343Cys (NM_001083602.3); c.4223T>G, p.Phe1408Cys (NM_001083603.3); c.3773T>G, p.Phe1258Cys (NM_001083604.3, NM_001083605.3, NM_001083606.3 and 1 more transcripts); c.4070T>G, p.Phe1357Cys (NM_001354918.2); short protein forms F1258C, F1409C, F1343C, F1357C, F1408C.
Identifiers: ClinVar variation 3635829 (VCV003635829.2).